The following is an entry in ClinVar:

NM_001365999.1(SZT2):c.9281A>G (p.Tyr3094Cys)

Gene: SZT2 (SZT2 subunit of KICSTOR complex; plus strand). Cytogenetic location: 1p34.2.
Variant type: single nucleotide variant.
Coding change: c.9281A>G on transcript NM_001365999.1 (MANE Select); coding-DNA position 9281, A replaced by G.
Protein change: p.Tyr3094Cys; replaces tyrosine 3094 with cysteine.
Molecular consequence: missense variant.
Genome position (GRCh38, 1-based): chr1:43,447,163, A>G. VCF-style: chr1-43447163-A-G. GRCh37 (hg19) VCF-style: chr1-43912834-A-G.
Other names: c.9110A>G, p.Tyr3037Cys (NM_015284.4); c.722A>G, p.Tyr241Cys (NM_024547.1); short protein forms Y3037C, Y3094C, Y241C.
Identifiers: ClinVar variation 1942334 (VCV001942334.3), dbSNP rs905273821, ClinGen allele CA21652228.

ClinVar aggregate classification (germline): Uncertain significance (1 of 4 stars; one submission).

Submission:

Labcorp Genetics (formerly Invitae), Labcorp
Classification: Uncertain significance. Last evaluated: 2023-11-27. Review status: criteria provided, single submitter. Criteria: Invitae Variant Classification Sherloc (09022015). Collection method: clinical testing. Allele origin: germline.
Comment: This sequence change replaces tyrosine, which is neutral and polar, with cysteine, which is neutral and slightly polar, at codon 3037 of the SZT2 protein (p.Tyr3037Cys). This variant is not present in population databases (gnomAD no frequency). This variant has not been reported in the literature in individuals affected with SZT2-related conditions. ClinVar contains an entry for this variant (Variation ID: 1942334). Advanced modeling of protein sequence and biophysical properties (such as structural, functional, and spatial information, amino acid conservation, physicochemical variation, residue mobility, and thermodynamic stability) performed at Invitae indicates that this missense variant is not expected to disrupt SZT2 protein function with a negative predictive value of 80%. In summary, the available evidence is currently insufficient to determine the role of this variant in disease. Therefore, it has been classified as a Variant of Uncertain Significance.